The following is an entry in ClinVar:

NM_006846.4(SPINK5):c.2821G>A (p.Asp941Asn)

Gene: SPINK5 (serine peptidase inhibitor Kazal type 5; plus strand). Cytogenetic location: 5q32.
Variant type: single nucleotide variant.
Coding change: c.2821G>A on transcript NM_006846.4 (MANE Select); coding-DNA position 2821, G replaced by A.
Protein change: p.Asp941Asn; replaces aspartic acid 941 with asparagine.
Molecular consequence: missense variant.
Genome position (GRCh38, 1-based): chr5:148,125,804, G>A. VCF-style: chr5-148125804-G-A. GRCh37 (hg19) VCF-style: chr5-147505367-G-A.
Other names: c.2911G>A, p.Asp971Asn (NM_001127698.2); short protein forms D971N, D941N.
Identifiers: ClinVar variation 2060564 (VCV002060564.5), dbSNP rs1162448930, ClinGen allele CA361650144.

ClinVar aggregate classification (germline): Uncertain significance. Review status: criteria provided, multiple submitters, no conflicts (2 of 4 stars). 2 submissions from 2 submitters: Uncertain significance (2). Last evaluated 2025-05-21.

Conditions:
Ichthyosis linearis circumflexa. Identifiers: MedGen C0265962, MONDO:0043106, HP:0025810.
Inborn genetic diseases. Identifiers: MedGen C0950123, MeSH D030342.

Allele frequency attached by ClinVar (database versions not stated): gnomAD exomes below 0.00001; gnomAD 0.00001; TOPMed 0.00003.
gnomAD v4.1: 5 of 1,614,108 alleles (0.00031%); highest among the groups gnomAD compares: African/African-American, 0.004%; no homozygotes.

Submissions (2):

Ambry Genetics
Classification: Uncertain significance for Inborn genetic diseases. Last evaluated: 2025-05-21. Review status: criteria provided, single submitter. Criteria: Ambry Variant Classification Scheme 2023. Collection method: clinical testing. Allele origin: germline.

Labcorp Genetics (formerly Invitae), Labcorp
Classification: Uncertain significance for Ichthyosis linearis circumflexa. Last evaluated: 2025-02-20. Review status: criteria provided, single submitter. Criteria: Invitae Variant Classification Sherloc (09022015). Collection method: clinical testing. Allele origin: germline.
Comment: This sequence change replaces aspartic acid, which is acidic and polar, with asparagine, which is neutral and polar, at codon 941 of the SPINK5 protein (p.Asp941Asn). This variant is not present in population databases (gnomAD no frequency). This variant has not been reported in the literature in individuals affected with SPINK5-related conditions. ClinVar contains an entry for this variant (Variation ID: 2060564). An algorithm developed to predict the effect of missense changes on protein structure and function (PolyPhen-2) suggests that this variant is likely to be disruptive. In summary, the available evidence is currently insufficient to determine the role of this variant in disease. Therefore, it has been classified as a Variant of Uncertain Significance.